The following is an entry in ClinVar:

ClinVar aggregate classification (germline): Uncertain significance (1 of 4 stars; one submission).

Submission:

Labcorp Genetics (formerly Invitae), Labcorp
Classification: Uncertain significance. Last evaluated: 2022-09-25. Review status: criteria provided, single submitter. Criteria: Invitae Variant Classification Sherloc (09022015). Collection method: clinical testing. Allele origin: germline.
Comment: This sequence change replaces aspartic acid, which is acidic and polar, with histidine, which is basic and polar, at codon 2 of the DSG1 protein (p.Asp2His). This variant is not present in population databases (gnomAD no frequency). This variant has not been reported in the literature in individuals affected with DSG1-related conditions. Algorithms developed to predict the effect of missense changes on protein structure and function are either unavailable or do not agree on the potential impact of this missense change (SIFT: "Deleterious"; PolyPhen-2: "Possibly Damaging"; Align-GVGD: "Class C0"). In summary, the available evidence is currently insufficient to determine the role of this variant in disease. Therefore, it has been classified as a Variant of Uncertain Significance.

NM_001942.4(DSG1):c.4G>C (p.Asp2His)

Gene: DSG1 (desmoglein 1; plus strand). Cytogenetic location: 18q12.1.
Variant type: single nucleotide variant.
Coding change: c.4G>C on transcript NM_001942.4 (MANE Select); coding-DNA position 4, G replaced by C.
Protein change: p.Asp2His; replaces aspartic acid 2 with histidine.
Molecular consequence: missense variant.
Genome position (GRCh38, 1-based): chr18:31,318,304, G>C. VCF-style: chr18-31318304-G-C. GRCh37 (hg19) VCF-style: chr18-28898267-G-C.
Other names: short protein forms D2H.
Identifiers: ClinVar variation 1720327 (VCV001720327.5), dbSNP rs2511038285, ClinGen allele CA402127287.